The following is an entry in ClinVar:

NM_002519.3(NPAT):c.3098C>A (p.Ala1033Asp)

Gene: NPAT (nuclear protein, coactivator of histone transcription; minus strand). Cytogenetic location: 11q22.3.
Variant type: single nucleotide variant.
Coding change: c.3098C>A on transcript NM_002519.3 (MANE Select); coding-DNA position 3098, C replaced by A.
Protein change: p.Ala1033Asp; replaces alanine 1033 with aspartic acid.
Molecular consequence: missense variant.
Genome position (GRCh38, 1-based): chr11:108,161,988, G>T on the plus strand (C>A on the coding strand, the complement: NPAT is on the minus strand). VCF-style: chr11-108161988-G-T. GRCh37 (hg19) VCF-style: chr11-108032715-G-T.
Other names: c.3119C>A, p.Ala1040Asp (NM_001321307.1); short protein forms A1040D, A1033D.
Identifiers: ClinVar variation 2453754 (VCV002453754.2), dbSNP rs2496697406, ClinGen allele CA382511529.

ClinVar aggregate classification (germline): Uncertain significance (1 of 4 stars; one submission).

Submission:

Ambry Genetics
Classification: Uncertain significance. Last evaluated: 2022-12-15. Review status: criteria provided, single submitter. Criteria: Ambry Variant Classification Scheme 2023. Collection method: clinical testing. Allele origin: germline.
Comment: The p.A1033D variant (also known as c.3098C>A), located in coding exon 17 of the NPAT gene, results from a C to A substitution at nucleotide position 3098. The alanine at codon 1033 is replaced by aspartic acid, an amino acid with dissimilar properties. This amino acid position is conserved. In addition, this alteration is predicted to be tolerated by in silico analysis. Since supporting evidence is limited at this time, the clinical significance of this alteration remains unclear.